The following is an entry in ClinVar:

NM_001372044.2(SHANK3):c.5221C>T (p.Gln1741Ter)

Gene: SHANK3 (SH3 and multiple ankyrin repeat domains 3; plus strand). Cytogenetic location: 22q13.33.
Variant type: single nucleotide variant.
Coding change: c.5221C>T on transcript NM_001372044.2 (MANE Select); coding-DNA position 5221, C replaced by T.
Protein change: p.Gln1741Ter; replaces glutamine 1741 with a stop codon.
Molecular consequence: nonsense.
Genome position (GRCh38, 1-based): chr22:50,731,112, C>T. VCF-style: chr22-50731112-C-T. GRCh37 (hg19) VCF-style: chr22-51169540-C-T.
Other names: short protein forms Q1741*.
Identifiers: ClinVar variation 3572893 (VCV003572893.2).

ClinVar aggregate classification (germline): Uncertain significance (1 of 4 stars; one submission).

Conditions:
Phelan-McDermid syndrome. Also called: TELOMERIC 22q13 MONOSOMY SYNDROME; 22q13.3 deletion syndrome; Phelan-McDermid Syndrome-SHANK3 Related. Identifiers: Orphanet 48652, MedGen C1853490, MONDO:0011652, OMIM 606232.

Submission:

Institute of Human Genetics, University of Leipzig Medical Center
Classification: Uncertain significance for Phelan-McDermid syndrome. Last evaluated: 2024-12-17. Review status: criteria provided, single submitter. Criteria: ACMG Guidelines, 2015. Collection method: clinical testing. Allele origin: unknown. Inheritance: Autosomal dominant inheritance. Affected: yes.
Comment: Criteria applied: PVS1_MOD,PM2